The following is an entry in ClinVar:

NM_001164508.2(NEB):c.4661T>A (p.Leu1554Ter)

Gene: NEB (nebulin; minus strand). Cytogenetic location: 2q23.3.
Variant type: single nucleotide variant.
Coding change: c.4661T>A on transcript NM_001164508.2 (MANE Select); coding-DNA position 4661, T replaced by A.
Protein change: p.Leu1554Ter; replaces leucine 1554 with a stop codon.
Molecular consequence: nonsense.
Genome position (GRCh38, 1-based): chr2:151,667,862, A>T on the plus strand (T>A on the coding strand, the complement: NEB is on the minus strand). VCF-style: chr2-151667862-A-T. GRCh37 (hg19) VCF-style: chr2-152524376-A-T.
Other names: c.4661T>A, p.Leu1554Ter (NM_001164507.2, NM_001271208.2, NM_004543.5); short protein forms L1554*.
Identifiers: ClinVar variation 1725023 (VCV001725023.2), dbSNP rs2552258947, ClinGen allele CA348814297.

ClinVar aggregate classification (germline): Likely pathogenic (1 of 4 stars; one submission).

Conditions:
Nemaline myopathy 2 (NEM2). Also called: Nemaline myopathy 2, autosomal recessive. Identifiers: MedGen C1850569, MONDO:0009725, OMIM 256030.

Submission:

Myriad Genetics, Inc.
Classification: Likely pathogenic for Nemaline myopathy 2. Last evaluated: 2022-03-05. Review status: criteria provided, single submitter. Criteria: Myriad Women's Health Autosomal Recessive and X-Linked Classification Criteria (2021). Collection method: clinical testing. Allele origin: unknown.
Comment: NM_001271208.1(NEB):c.4661T>A(L1554*) is expected to be pathogenic in the context of NEB-related nemaline myopathy. This variant is predicted to lead to an abnormal or absent protein product due to the creation of a premature termination codon in NEB, a gene where loss-of-function variants are known to be pathogenic. Please note: this variant was assessed in the context of healthy population screening.